The following is an entry in ClinVar:

ClinVar aggregate classification (germline): Pathogenic (1 of 4 stars; one submission).

Conditions:
Fanconi anemia complementation group O. Also called: RAD51C-Related Fanconi Anemia. Identifiers: Orphanet 84, MedGen C3150653, MONDO:0013248, OMIM 613390.

Submission:

Labcorp Genetics (formerly Invitae), Labcorp
Classification: Pathogenic for Fanconi anemia, complementation group O. Last evaluated: 2019-07-02. Review status: criteria provided, single submitter. Criteria: Invitae Variant Classification Sherloc (09022015). Collection method: clinical testing. Allele origin: germline.
Comment: This variant is a gross deletion of the genomic region encompassing exons 8-9 of the RAD51C gene. The 5' boundary is likely confined to intron 7. The 3' end of this event is unknown as it extends through the termination codon beyond the assayed region for this gene and may encompass additional genes. While this deletion is not anticipated to result in nonsense mediated decay, it is expected to create a truncated protein product or disrupt mRNA translation. A similar deletion of exons 8-9 has been observed in an individual with a personal and family history of ovarian cancer (PMID: 27616075). This variant is expected to cause the loss or disruption of 55 C-terminal amino acid residues from the RAD51C protein. While the effect of this particular sequence change on RAD51C function has not been tested, the C-terminal region of RAD51C is known to contain a nuclear localization signal, and the deletion of 11 C-terminal residues leads to cellular mislocalization of the protein and reduced MMC resistance compared to the wild-type protein (PMID: 12966089). For these reasons, this variant has been classified as Pathogenic.

Literature cited by the submitters: PubMed 12966089; PubMed 27616075.

NC_000017.11:g.(?_58732474)_(58734232_?)del

Gene: RAD51C (RAD51 paralog C; plus strand). Cytogenetic location: 17q22.
Variant type: Deletion.
Identifiers: ClinVar variation 653520 (VCV000653520.2).